The following is an entry in ClinVar:

ClinVar aggregate classification (germline): Uncertain significance (1 of 4 stars; one submission).

Allele frequency attached by ClinVar (database versions not stated): TOPMed 0.00003; gnomAD 0.00005.
gnomAD v4.1: 7 of 152,114 alleles (0.0046%); highest among the groups gnomAD compares: African/African-American, 0.017%; no homozygotes.

Submission:

Labcorp Genetics (formerly Invitae), Labcorp
Classification: Uncertain significance. Last evaluated: 2022-07-06. Review status: criteria provided, single submitter. Criteria: Invitae Variant Classification Sherloc (09022015). Collection method: clinical testing. Allele origin: germline.
Comment: This variant occurs in a non-coding region of the EYS gene. It does not change the encoded amino acid sequence of the EYS protein. This variant is present in population databases (no rsID available, gnomAD 0.05%). This variant has not been reported in the literature in individuals affected with EYS-related conditions. ClinVar contains an entry for this variant (Variation ID: 1520882). Experimental studies and prediction algorithms are not available or were not evaluated, and the functional significance of this variant is currently unknown. In summary, the available evidence is currently insufficient to determine the role of this variant in disease. Therefore, it has been classified as a Variant of Uncertain Significance.

NM_001142800.2(EYS):c.-428C>T

Gene: EYS (eyes shut homolog; minus strand). Cytogenetic location: 6q12.
Variant type: single nucleotide variant.
Coding change: c.-428C>T on transcript NM_001142800.2 (MANE Select); 428 bases upstream of the start codon, C replaced by T.
Molecular consequence: 5 prime UTR variant.
Genome position (GRCh38, 1-based): chr6:65,639,873, G>A on the plus strand (C>T on the coding strand, the complement: EYS is on the minus strand). VCF-style: chr6-65639873-G-A. GRCh37 (hg19) VCF-style: chr6-66349766-G-A.
Other names: c.-428C>T (NM_001142801.2, NM_001292009.2).
Identifiers: ClinVar variation 1520882 (VCV001520882.3), dbSNP rs913507265, ClinGen allele CA140452339.